The following is an entry in ClinVar:

NM_007294.4(BRCA1):c.5453A>T (p.Asp1818Val)

Gene: BRCA1 (BRCA1 DNA repair associated; minus strand). Cytogenetic location: 17q21.31.
Variant type: single nucleotide variant.
Coding change: c.5453A>T on transcript NM_007294.4 (MANE Select); coding-DNA position 5453, A replaced by T.
Protein change: p.Asp1818Val; replaces aspartic acid 1818 with valine.
Molecular consequence: missense variant. On other transcripts: synonymous variant (17).
Genome position (GRCh38, 1-based): chr17:43,047,657, T>A on the plus strand (A>T on the coding strand, the complement: BRCA1 is on the minus strand). VCF-style: chr17-43047657-T-A. GRCh37 (hg19) VCF-style: chr17-41199674-T-A.
Other names: c.5240A>T, p.Asp1747Val (NM_001407571.1, NM_001407894.1, NM_001407895.1 and 12 more transcripts); c.5519A>T, p.Asp1840Val (NM_001407581.1, NM_001407582.1); c.5516A>T, p.Asp1839Val (NM_001407583.1, NM_001407585.1, NM_001407587.1 and 1 more transcripts); c.5513A>T, p.Asp1838Val (NM_001407590.1, NM_001407591.1); c.5453A>T, p.Asp1818Val (NM_001407593.1, NM_001407594.1, NM_001407596.1 and 5 more transcripts); c.5450A>T, p.Asp1817Val (NM_001407610.1, NM_001407611.1, NM_001407612.1 and 14 more transcripts); c.5447A>T, p.Asp1816Val (NM_001407627.1, NM_001407628.1, NM_001407629.1 and 13 more transcripts); c.5444A>T, p.Asp1815Val (NM_001407644.1, NM_001407645.1); and 83 more; short protein forms D714V, D1818V, D1771V, D1839V, D1522V, D1705V, D1730V, D1746V.
Identifiers: ClinVar variation 868506 (VCV000868506.3), dbSNP rs80357477, ClinGen allele CA10590481.

Conditions:
Breast-ovarian cancer, familial, susceptibility to, 1 (BROVCA1). Also called: BRCA1 Hereditary Breast and Ovarian Cancer; OVARIAN CANCER, SUSCEPTIBILITY TO. Identifiers: Orphanet 145, MedGen C2676676, MONDO:0011450, OMIM 604370. Disease mechanism: loss of function.

Submission:

Brotman Baty Institute, University of Washington
No classification provided (evidence only). Condition: Breast-ovarian cancer, familial 1. Review status: no classification provided. Collection method: in vitro. Allele origin: not applicable. Functional consequence: functionally_normal.
ClinVar note: "not provided" was previously submitted as the classification for the variant. However, the classification appeared to be based only on an observation of functional data so it was converted to no classification on 2025-07-30.